The following is an entry in ClinVar:

ClinVar aggregate classification (germline): Uncertain significance. Review status: criteria provided, multiple submitters, no conflicts (2 of 4 stars). 4 submissions from 4 submitters: Uncertain significance (4). Last evaluated 2025-10-01.

Conditions:
Hereditary cancer-predisposing syndrome. Also called: Neoplastic Syndromes, Hereditary; Tumor predisposition; Hereditary Cancer Syndrome; Hereditary neoplastic syndrome. Identifiers: Orphanet 140162, MedGen C0027672, MeSH D009386, MONDO:0015356.
POLE-related disorder. Also called: POLE-related condition; POLE-related disorders.

Allele frequency attached by ClinVar (database versions not stated): gnomAD 0.00001; gnomAD exomes 0.00001; TOPMed 0.00001.
gnomAD v4.1: 13 of 1,613,936 alleles (0.00081%); highest among the groups gnomAD compares: South Asian, 0.0022%; no homozygotes.

Submissions (4):

Labcorp Genetics (formerly Invitae), Labcorp
Classification: Uncertain significance. Last evaluated: 2025-10-01. Review status: criteria provided, single submitter. Criteria: Invitae Variant Classification Sherloc (09022015). Collection method: clinical testing. Allele origin: germline.
Comment: This sequence change replaces arginine, which is basic and polar, with histidine, which is basic and polar, at codon 1485 of the POLE protein (p.Arg1485His). This variant is present in population databases (no rsID available, gnomAD 0.003%). This variant has not been reported in the literature in individuals affected with POLE-related conditions. ClinVar contains an entry for this variant (Variation ID: 654161). Invitae Evidence Modeling of protein sequence and biophysical properties (such as structural, functional, and spatial information, amino acid conservation, physicochemical variation, residue mobility, and thermodynamic stability) indicates that this missense variant is not expected to disrupt POLE protein function with a negative predictive value of 80%. In summary, the available evidence is currently insufficient to determine the role of this variant in disease. Therefore, it has been classified as a Variant of Uncertain Significance.

Ambry Genetics
Classification: Uncertain significance for Hereditary cancer-predisposing syndrome. Last evaluated: 2023-11-19. Review status: criteria provided, single submitter. Criteria: Ambry Variant Classification Scheme 2023. Collection method: clinical testing. Allele origin: germline.
Comment: The p.R1485H variant (also known as c.4454G>A), located in coding exon 35 of the POLE gene, results from a G to A substitution at nucleotide position 4454. The arginine at codon 1485 is replaced by histidine, an amino acid with highly similar properties. This amino acid position is conserved. In addition, the in silico prediction for this alteration is inconclusive. Since supporting evidence is limited at this time, the clinical significance of this alteration remains unclear.

PreventionGenetics, part of Exact Sciences
Classification: Uncertain significance for POLE-related condition. Last evaluated: 2022-11-17. Review status: criteria provided, single submitter. Criteria: ACMG Guidelines, 2015. Collection method: clinical testing. Allele origin: germline.
Comment: The POLE c.4454G>A variant is predicted to result in the amino acid substitution p.Arg1485His. To our knowledge, this variant has not been reported in the literature. This variant is reported in 0.0033% of alleles in individuals of South Asian descent in gnomAD and is interpreted as uncertain significance in ClinVar. At this time, the clinical significance of this variant is uncertain due to the absence of conclusive functional and genetic evidence.

GeneDx
Classification: Uncertain significance. Last evaluated: 2022-05-17. Review status: criteria provided, single submitter. Criteria: GeneDx Variant Classification Process June 2021. Collection method: clinical testing. Allele origin: germline. Affected: yes.
Comment: Not observed at significant frequency in large population cohorts (gnomAD); In silico analysis supports that this missense variant has a deleterious effect on protein structure/function; Has not been previously published as pathogenic or benign to our knowledge

NM_006231.4(POLE):c.4454G>A (p.Arg1485His)

Gene: POLE (DNA polymerase epsilon, catalytic subunit; minus strand). Cytogenetic location: 12q24.33.
Variant type: single nucleotide variant.
Coding change: c.4454G>A on transcript NM_006231.4 (MANE Select); coding-DNA position 4454, G replaced by A.
Protein change: p.Arg1485His; replaces arginine 1485 with histidine.
Molecular consequence: missense variant.
Genome position (GRCh38, 1-based): chr12:132,643,321, C>T on the plus strand (G>A on the coding strand, the complement: POLE is on the minus strand). VCF-style: chr12-132643321-C-T. GRCh37 (hg19) VCF-style: chr12-133219907-C-T.
Other names: short protein forms R1485H.
Identifiers: ClinVar variation 654161 (VCV000654161.13), dbSNP rs973405989, ClinGen allele CA246304549.
Genomic context (GRCh38, chr12:132,643,321, plus strand): 5'-GGGATGAAGATCCCGAAGAGCGCTTTGTGGGCCTGTGCGTGGTGGTACAGGTAGATATGG[C>T]GGATACTCCCTGGAGAAGGAAACAAGACCGTCACCCCAGATGTGTGGGAGGCAGGCACAT-3'
Protein context (NP_006222.2, residues 1475-1495): QFSYLEPGSI[Arg1485His]HIYLYHHAQA